The following is an entry in ClinVar:

NM_198514.4(NHLRC2):c.1755A>G (p.Val585=)

Gene: NHLRC2 (NHL repeat containing 2; plus strand). Cytogenetic location: 10q25.3.
Variant type: single nucleotide variant.
Coding change: c.1755A>G on transcript NM_198514.4 (MANE Select); coding-DNA position 1755, A replaced by G.
Protein change: p.Val585=; no amino-acid change (valine 585 retained).
Molecular consequence: synonymous variant.
Genome position (GRCh38, 1-based): chr10:113,904,867, A>G. VCF-style: chr10-113904867-A-G. GRCh37 (hg19) VCF-style: chr10-115664626-A-G.
Identifiers: ClinVar variation 4681418 (VCV004681418.5).

ClinVar aggregate classification (germline): Likely benign (1 of 4 stars; one submission).

gnomAD v4.1: 458 of 1,613,464 alleles (0.028%); highest among the groups gnomAD compares: Admixed American, 0.28%; no homozygotes.

Submission:

CeGaT Center for Human Genetics Tuebingen
Classification: Likely benign. Last evaluated: 2025-12-01. Review status: criteria provided, single submitter. Criteria: CeGaT Center For Human Genetics Tuebingen Variant Classification Criteria Version 2. Collection method: clinical testing. Allele origin: germline. Affected: yes. Observed: 1 variant allele.
Comment: NHLRC2: BP4, BP7